The following is an entry in ClinVar:

ClinVar aggregate classification (germline): Uncertain significance. Review status: criteria provided, multiple submitters, no conflicts (2 of 4 stars). 4 submissions from 4 submitters: Uncertain significance (3). 1 of the submissions does not count toward it. Last evaluated 2026-07-13.

Conditions:
Dyskeratosis congenita, autosomal recessive 5 (DKCB5). Identifiers: MedGen C3554656, MONDO:0014076, OMIM 615190.
Pulmonary fibrosis and/or bone marrow failure, Telomere-related, 3. Also called: PULMONARY FIBROSIS AND/OR BONE MARROW FAILURE SYNDROME, TELOMERE-RELATED, 3. Identifiers: Orphanet 2032, MedGen C4225346, MONDO:0014613, OMIM 616373.
Inborn genetic diseases. Identifiers: MedGen C0950123, MeSH D030342.
Dyskeratosis congenita. Identifiers: Orphanet 1775, MedGen C0265965, MONDO:0015780.

Submissions (4):

Ambry Genetics
Classification: Uncertain significance for Inborn genetic diseases. Last evaluated: 2026-07-13. Review status: criteria provided, single submitter. Criteria: Ambry Variant Classification Scheme 2023. Collection method: clinical testing. Allele origin: germline.
Comment: The p.A868T variant (also known as c.2602G>A), located in coding exon 27 of the RTEL1 gene, results from a G to A substitution at nucleotide position 2602. The alanine at codon 868 is replaced by threonine, an amino acid with similar properties. This amino acid position is conserved. In addition, this alteration is predicted to be tolerated by in silico analysis. Based on the available evidence, the clinical significance of this variant remains unclear.

Labcorp Genetics (formerly Invitae), Labcorp
Classification: Uncertain significance for Dyskeratosis congenita, autosomal recessive 5; Pulmonary fibrosis and/or bone marrow failure, Telomere-related, 3. Last evaluated: 2022-09-27. Review status: criteria provided, single submitter. Criteria: Invitae Variant Classification Sherloc (09022015). Collection method: clinical testing. Allele origin: germline.
Comment: This sequence change replaces alanine, which is neutral and non-polar, with threonine, which is neutral and polar, at codon 868 of the RTEL1 protein (p.Ala868Thr). This variant is not present in population databases (gnomAD no frequency). This variant has not been reported in the literature in individuals affected with RTEL1-related conditions. ClinVar contains an entry for this variant (Variation ID: 960583). Algorithms developed to predict the effect of missense changes on protein structure and function output the following: SIFT: "Tolerated"; PolyPhen-2: "Benign"; Align-GVGD: "Class C0". The threonine amino acid residue is found in multiple mammalian species, which suggests that this missense change does not adversely affect protein function. In summary, the available evidence is currently insufficient to determine the role of this variant in disease. Therefore, it has been classified as a Variant of Uncertain Significance.

Sema4
Classification: Uncertain significance for Dyskeratosis congenita. Last evaluated: 2021-07-14. Review status: criteria provided, single submitter. Criteria: Sema4 Curation Guidelines. Collection method: curation. Allele origin: germline.
Comment: The RTEL1 c.2602G>A (p.A868T) variant has not been reported in the literature to our knowledge. It was not observed in the large and broad cohorts of the Genome Aggregation Database (PMID: 32461654) but has been reported in ClinVar (Variation ID 960583). In silico tools suggest the impact of the variant on protein function is benign, though these predictions have not been confirmed by functional studies. The evidence is insufficient to meet ACMG/AMP criteria for classifying the variant as benign or pathogenic. Thus, the clinical significance of this variant is currently uncertain.

Natera, Inc.
Classification: Uncertain significance for Dyskeratosis congenita. Last evaluated: 2021-05-18. Review status: no assertion criteria provided. Collection method: clinical testing. Allele origin: germline. Not counted in ClinVar's aggregate classification.

NM_001283009.2(RTEL1):c.2602G>A (p.Ala868Thr)

Genes: RTEL1 (regulator of telomere elongation helicase 1; plus strand), RTEL1-TNFRSF6B (RTEL1-TNFRSF6B readthrough (NMD candidate); plus strand). Cytogenetic location: 20q13.33.
Variant type: single nucleotide variant.
Coding change: c.2602G>A on transcript NM_001283009.2 (MANE Select); coding-DNA position 2602, G replaced by A.
Protein change: p.Ala868Thr; replaces alanine 868 with threonine.
Molecular consequence: missense variant. On other transcripts: non-coding transcript variant (1).
Genome position (GRCh38, 1-based): chr20:63,691,787, G>A. VCF-style: chr20-63691787-G-A. GRCh37 (hg19) VCF-style: chr20-62323140-G-A.
Other names: c.1933G>A, p.Ala645Thr (NM_001283010.1); c.2602G>A, p.Ala868Thr (NM_016434.4); c.2674G>A, p.Ala892Thr (NM_032957.5); short protein forms A892T, A645T, A868T.
Identifiers: ClinVar variation 960583 (VCV000960583.10), dbSNP rs2090751615, ClinGen allele CA409682361.